The following is an entry in ClinVar:

NM_000507.4(FBP1):c.78C>T (p.Arg26=)

Gene: FBP1 (fructose-bisphosphatase 1; minus strand). Cytogenetic location: 9q22.32.
Variant type: single nucleotide variant.
Coding change: c.78C>T on transcript NM_000507.4 (MANE Select); coding-DNA position 78, C replaced by T.
Protein change: p.Arg26=; no amino-acid change (arginine 26 retained).
Molecular consequence: synonymous variant.
Genome position (GRCh38, 1-based): chr9:94,639,233, G>A on the plus strand (C>T on the coding strand, the complement: FBP1 is on the minus strand). VCF-style: chr9-94639233-G-A. GRCh37 (hg19) VCF-style: chr9-97401515-G-A.
Other names: c.78C>T, p.Arg26= (NM_001127628.2).
Identifiers: ClinVar variation 387917 (VCV000387917.1), dbSNP rs1057522940, ClinGen allele CA16606585.

ClinVar aggregate classification (germline): Likely benign (1 of 4 stars; one submission).

Allele frequency attached by ClinVar (database versions not stated): gnomAD exomes below 0.00001.
gnomAD v4.1: 5 of 1,601,614 alleles (0.00031%); highest among the groups gnomAD compares: Middle Eastern, 0.017%; no homozygotes.

Submission:

GeneDx
Classification: Likely benign. Last evaluated: 2016-08-03. Review status: criteria provided, single submitter. Criteria: GeneDx Variant Classification (06012015). Collection method: clinical testing. Allele origin: germline. Affected: yes.
Comment: This variant is considered likely benign or benign based on one or more of the following criteria: it is a conservative change, it occurs at a poorly conserved position in the protein, it is predicted to be benign by multiple in silico algorithms, and/or has population frequency not consistent with disease.